The following is an entry in ClinVar:

NM_201384.3(PLEC):c.7909G>A (p.Ala2637Thr)

Gene: PLEC (plectin; minus strand). Cytogenetic location: 8q24.3.
Variant type: single nucleotide variant.
Coding change: c.7909G>A on transcript NM_201384.3 (MANE Select); coding-DNA position 7909, G replaced by A.
Protein change: p.Ala2637Thr; replaces alanine 2637 with threonine.
Molecular consequence: missense variant.
Genome position (GRCh38, 1-based): chr8:143,921,912, C>T on the plus strand (G>A on the coding strand, the complement: PLEC is on the minus strand). VCF-style: chr8-143921912-C-T. GRCh37 (hg19) VCF-style: chr8-144996080-C-T.
Other names: c.7990G>A (NM_000445.3, NM_000445.4); c.7990G>A, p.Ala2664Thr (NM_000445.5); c.7867G>A, p.Ala2623Thr (NM_201378.4); c.7843G>A, p.Ala2615Thr (NM_201379.3); c.8320G>A, p.Ala2774Thr (NM_201380.4); c.7813G>A, p.Ala2605Thr (NM_201381.3); c.7909G>A, p.Ala2637Thr (NM_201382.4); c.7921G>A, p.Ala2641Thr (NM_201383.3); short protein forms A2623T, A2664T, A2605T, A2615T, A2637T, A2641T, A2774T.
Identifiers: ClinVar variation 592778 (VCV000592778.15), dbSNP rs782010111, ClinGen allele CA4925482.

ClinVar aggregate classification (germline): Uncertain significance. Review status: criteria provided, multiple submitters, no conflicts (2 of 4 stars). 5 submissions from 5 submitters: Uncertain significance (5). Last evaluated 2026-03-20.

Conditions:
PLEC-related disorder. Also called: PLEC-related disorders; PLEC-related condition.
Epidermolysis bullosa simplex 5C, with pyloric atresia (EBS5C). Also called: PLEC-Related Epidermolysis Bullosa with Pyloric Atresia; PLEC1-Related Epidermolysis Bullosa with Pyloric Atresia; Epidermolysis bullosa simplex with pyloric atresia. Identifiers: Orphanet 158684, MedGen C2677349, MONDO:0012807, OMIM 612138.
Epidermolysis bullosa simplex, Ogna type (EBS5A). Also called: Pidermolysis bullosa simplex 5A, Ogna type; EPIDERMOLYSIS BULLOSA SIMPLEX 5A, OGNA TYPE. Identifiers: Orphanet 79401, MedGen C0432317, MONDO:0007555, OMIM 131950.
Epidermolysis bullosa simplex 5B, with muscular dystrophy (EBS5B). Also called: Epidermolysis bullosa simplex with muscular dystrophy; EPIDERMOLYSIS BULLOSA SIMPLEX AND LIMB-GIRDLE MUSCULAR DYSTROPHY. Identifiers: Orphanet 257, MedGen C2931072, MONDO:0009181, OMIM 226670.
Epidermolysis bullosa simplex with nail dystrophy (EBS5D). Identifiers: MedGen C4225309, MONDO:0014661, OMIM 616487.
Autosomal recessive limb-girdle muscular dystrophy type 2Q (LGMDR17). Also called: MUSCULAR DYSTROPHY, LIMB-GIRDLE, AUTOSOMAL RECESSIVE 17. Identifiers: Orphanet 254361, MedGen C3150989, MONDO:0013390, OMIM 613723.
Inborn genetic diseases. Identifiers: MedGen C0950123, MeSH D030342.

Allele frequency attached by ClinVar (database versions not stated): gnomAD 0.00002 and 0.00003; gnomAD exomes 0.00002 and 0.00004; TOPMed 0.00002; ExAC 0.00004.
gnomAD v4.1: 30 of 1,599,744 alleles (0.0019%); highest among the groups gnomAD compares: Admixed American, 0.0033%; no homozygotes.

Submissions (5):

PreventionGenetics, part of Exact Sciences
Classification: Uncertain significance for PLEC-related condition. Last evaluated: 2026-03-20. Review status: criteria provided, single submitter. Criteria: ACMG Guidelines, 2015. Collection method: clinical testing. Allele origin: germline.
Comment: The PLEC c.7990G>A variant is predicted to result in the amino acid substitution p.Ala2664Thr. To our knowledge, this variant has not been reported in the literature. This variant is reported in 0.010% of alleles in individuals of Ashkenazi Jewish descent in gnomAD. At this time, the clinical significance of this variant is uncertain due to the absence of conclusive functional and genetic evidence.

Labcorp Genetics (formerly Invitae), Labcorp
Classification: Uncertain significance for Autosomal recessive limb-girdle muscular dystrophy type 2Q; Epidermolysis bullosa simplex, Ogna type; Epidermolysis bullosa simplex with nail dystrophy; Epidermolysis bullosa simplex 5C, with pyloric atresia; Epidermolysis bullosa simplex 5B, with muscular dystrophy. Last evaluated: 2025-10-02. Review status: criteria provided, single submitter. Criteria: Invitae Variant Classification Sherloc (09022015). Collection method: clinical testing. Allele origin: germline.
Comment: This sequence change replaces alanine, which is neutral and non-polar, with threonine, which is neutral and polar, at codon 2664 of the PLEC protein (p.Ala2664Thr). This variant is present in population databases (rs782010111, gnomAD 0.01%). This variant has not been reported in the literature in individuals affected with PLEC-related conditions. ClinVar contains an entry for this variant (Variation ID: 592778). An algorithm developed to predict the effect of missense changes on protein structure and function outputs the following: PolyPhen-2: "Benign". The threonine amino acid residue is found in multiple mammalian species, which suggests that this missense change does not adversely affect protein function. In summary, the available evidence is currently insufficient to determine the role of this variant in disease. Therefore, it has been classified as a Variant of Uncertain Significance.

Revvity Omics, Revvity
Classification: Uncertain significance. Last evaluated: 2024-12-06. Review status: criteria provided, single submitter. Criteria: ACMG Guidelines, 2015. Collection method: clinical testing. Allele origin: germline.

Ambry Genetics
Classification: Uncertain significance for Inborn genetic diseases. Last evaluated: 2024-04-01. Review status: criteria provided, single submitter. Criteria: Ambry Variant Classification Scheme 2023. Collection method: clinical testing. Allele origin: germline.

Eurofins Ntd Llc (ga)
Classification: Uncertain significance. Last evaluated: 2018-02-14. Review status: criteria provided, single submitter. Criteria: EGL ClinVar v180209 classification definitions. Collection method: clinical testing. Allele origin: germline. Observed: 2 variant alleles, 2 heterozygotes.